The following is an entry in ClinVar:

NM_201384.3(PLEC):c.6503A>G (p.Glu2168Gly)

Gene: PLEC (plectin; minus strand). Cytogenetic location: 8q24.3.
Variant type: single nucleotide variant.
Coding change: c.6503A>G on transcript NM_201384.3 (MANE Select); coding-DNA position 6503, A replaced by G.
Protein change: p.Glu2168Gly; replaces glutamic acid 2168 with glycine.
Molecular consequence: missense variant. On other transcripts: intron variant (1).
Genome position (GRCh38, 1-based): chr8:143,923,426, T>C on the plus strand (A>G on the coding strand, the complement: PLEC is on the minus strand). VCF-style: chr8-143923426-T-C. GRCh37 (hg19) VCF-style: chr8-144997594-T-C.
Other names: c.6584A>G, p.Glu2195Gly (NM_000445.5); c.6461A>G, p.Glu2154Gly (NM_201378.4); c.6437A>G, p.Glu2146Gly (NM_201379.3); c.6914A>G, p.Glu2305Gly (NM_201380.4); c.6407A>G, p.Glu2136Gly (NM_201381.3); c.6503A>G, p.Glu2168Gly (NM_201382.4); c.6515A>G, p.Glu2172Gly (NM_201383.3); c.4126-1031A>G (NM_001410941.1); short protein forms E2305G, E2168G, E2172G, E2146G, E2195G, E2136G, E2154G.
Identifiers: ClinVar variation 4782897 (VCV004782897.1).

ClinVar aggregate classification (germline): Uncertain significance (1 of 4 stars; one submission).

Conditions:
Epidermolysis bullosa simplex with nail dystrophy (EBS5D). Identifiers: MedGen C4225309, MONDO:0014661, OMIM 616487.
Epidermolysis bullosa simplex, Ogna type (EBS5A). Also called: Pidermolysis bullosa simplex 5A, Ogna type; EPIDERMOLYSIS BULLOSA SIMPLEX 5A, OGNA TYPE. Identifiers: Orphanet 79401, MedGen C0432317, MONDO:0007555, OMIM 131950.
Epidermolysis bullosa simplex 5B, with muscular dystrophy (EBS5B). Also called: Epidermolysis bullosa simplex with muscular dystrophy; EPIDERMOLYSIS BULLOSA SIMPLEX AND LIMB-GIRDLE MUSCULAR DYSTROPHY. Identifiers: Orphanet 257, MedGen C2931072, MONDO:0009181, OMIM 226670.
Autosomal recessive limb-girdle muscular dystrophy type 2Q (LGMDR17). Also called: MUSCULAR DYSTROPHY, LIMB-GIRDLE, AUTOSOMAL RECESSIVE 17. Identifiers: Orphanet 254361, MedGen C3150989, MONDO:0013390, OMIM 613723.
Epidermolysis bullosa simplex 5C, with pyloric atresia (EBS5C). Also called: PLEC-Related Epidermolysis Bullosa with Pyloric Atresia; Epidermolysis bullosa simplex with pyloric atresia; PLEC1-Related Epidermolysis Bullosa with Pyloric Atresia. Identifiers: Orphanet 158684, MedGen C2677349, MONDO:0012807, OMIM 612138.

gnomAD v4.1: 5 of 1,610,174 alleles (0.00031%); highest among the groups gnomAD compares: East Asian, 0.0045%; no homozygotes.

Submission:

Labcorp Genetics (formerly Invitae), Labcorp
Classification: Uncertain significance for Autosomal recessive limb-girdle muscular dystrophy type 2Q; Epidermolysis bullosa simplex, Ogna type; Epidermolysis bullosa simplex with nail dystrophy; Epidermolysis bullosa simplex 5C, with pyloric atresia; Epidermolysis bullosa simplex 5B, with muscular dystrophy. Last evaluated: 2025-08-12. Review status: criteria provided, single submitter. Criteria: Invitae Variant Classification Sherloc (09022015). Collection method: clinical testing. Allele origin: germline.
Comment: This sequence change replaces glutamic acid, which is acidic and polar, with glycine, which is neutral and non-polar, at codon 2195 of the PLEC protein (p.Glu2195Gly). This variant is present in population databases (rs782775320, gnomAD 0.007%). This variant has not been reported in the literature in individuals affected with PLEC-related conditions. An algorithm developed to predict the effect of missense changes on protein structure and function (PolyPhen-2) suggests that this variant is likely to be disruptive. In summary, the available evidence is currently insufficient to determine the role of this variant in disease. Therefore, it has been classified as a Variant of Uncertain Significance.